The following is an entry in ClinVar:

NM_000784.4(CYP27A1):c.24dup (p.Leu9fs)

Gene: CYP27A1 (cytochrome P450 family 27 subfamily A member 1; plus strand). Cytogenetic location: 2q35.
Variant type: Duplication.
Coding change: c.24dup on transcript NM_000784.4 (MANE Select); coding-DNA position 24, one base duplicated (G; older notation c.24dupG).
Protein change: p.Leu9fs; shifts the reading frame from leucine 9.
Molecular consequence: frameshift variant.
Genome position (GRCh38, 1-based): chr2:218,782,206, G duplicated; the last of 2 consecutive G bases (chr2:218,782,205-218,782,206); duplicating either gives the same sequence. VCF-style (leftmost placement, unchanged base first): chr2-218782204-A-AG. GRCh37 (hg19) VCF-style: chr2-219646927-A-AG.
Other names: c.24dupG (NM_000784.3); short protein forms L9fs.
Identifiers: ClinVar variation 971111 (VCV000971111.13), dbSNP rs1163340926, ClinGen allele CA539840498.

ClinVar aggregate classification (germline): Pathogenic/Likely pathogenic. Review status: criteria provided, multiple submitters, no conflicts (2 of 4 stars). 3 submissions from 3 submitters: Pathogenic (2); Likely pathogenic (1). Last evaluated 2024-04-08.

Conditions:
Cholestanol storage disease (CTX). Also called: CTX: Cerebrotendinous xanthomatosis; CEREBRAL CHOLESTERINOSIS; Cerebrotendinous Xanthomatosis. Identifiers: Orphanet 909, MedGen C0238052, MONDO:0008948, OMIM 213700.

Submissions (3):

Natera, Inc.
Classification: Likely pathogenic for Cerebrotendinous xanthomatosis. Last evaluated: 2024-04-08. Review status: criteria provided, single submitter. Criteria: Natera Variant Classification Schema (03/2026). Collection method: clinical testing. Allele origin: germline.
Comment: The c.24dupG variant in CYP27A1 is a frameshift variant predicted to shift the reading frame beginning at codon 9 and leads to a stop codon 172 codons downstream. This variant is expected to result in nonsense mediated decay, truncation, or a dysfunctional protein product. This variant is rare in the general population with a frequency below the threshold expected for the associated phenotype(s). Given the available evidence, this variant is classified as Likely Pathogenic.

Labcorp Genetics (formerly Invitae), Labcorp
Classification: Pathogenic for Cholestanol storage disease. Last evaluated: 2024-03-16. Review status: criteria provided, single submitter. Criteria: Invitae Variant Classification Sherloc (09022015). Collection method: clinical testing. Allele origin: germline.
Comment: This sequence change creates a premature translational stop signal (p.Leu9Alafs*172) in the CYP27A1 gene. It is expected to result in an absent or disrupted protein product. Loss-of-function variants in CYP27A1 are known to be pathogenic (PMID: 9392430, 10775536, 26937392). This variant is present in population databases (no rsID available, gnomAD 0.007%). This variant has not been reported in the literature in individuals affected with CYP27A1-related conditions. ClinVar contains an entry for this variant (Variation ID: 971111). For these reasons, this variant has been classified as Pathogenic.

Revvity Omics, Revvity
Classification: Pathogenic for Cholestanol storage disease. Last evaluated: 2020-03-12. Review status: criteria provided, single submitter. Criteria: ACMG Guidelines, 2015. Collection method: clinical testing. Allele origin: germline.

Literature cited by the submitters: PubMed 9392430 (cited by Labcorp Genetics (formerly Invitae), Labcorp); PubMed 10775536 (cited by Labcorp Genetics (formerly Invitae), Labcorp); PubMed 26937392 (cited by Labcorp Genetics (formerly Invitae), Labcorp).